The following is an entry in ClinVar:

NM_145200.5(CABP4):c.65del (p.Pro22fs)

Gene: CABP4 (calcium binding protein 4; plus strand). Cytogenetic location: 11q13.2.
Variant type: Deletion.
Coding change: c.65del on transcript NM_145200.5 (MANE Select); coding-DNA position 65, one base deleted (C; older notation c.65delC).
Protein change: p.Pro22fs; shifts the reading frame from proline 22.
Molecular consequence: frameshift variant. On other transcripts: 5 prime UTR variant (2), non-coding transcript variant (1), intron variant (1).
Genome position (GRCh38, 1-based): chr11:67,455,488, C deleted; the last of 5 consecutive C bases (chr11:67,455,484-67,455,488); deleting any one gives the same sequence. VCF-style (leftmost placement, unchanged base first): chr11-67455483-GC-G. GRCh37 (hg19) VCF-style: chr11-67222954-GC-G.
Other names: c.-319del (NM_001300895.3); c.-333del (NM_001379183.1); c.-112-221del (NM_001300896.3); short protein forms P22fs.
Identifiers: ClinVar variation 866054 (VCV000866054.5), dbSNP rs775166854, ClinGen allele CA6140059.

ClinVar aggregate classification (germline): Pathogenic/Likely pathogenic. Review status: criteria provided, multiple submitters, no conflicts (2 of 4 stars). 3 submissions from 3 submitters: Pathogenic (2); Likely pathogenic (1). Last evaluated 2025-02-27.

Conditions:
CABP4-related disorder. Also called: CABP4-related condition.
Cone-rod synaptic disorder, congenital nonprogressive. Also called: NIGHT BLINDNESS, CONGENITAL STATIONARY, INCOMPLETE, AUTOSOMAL RECESSIVE. Identifiers: Orphanet 215, MedGen C4041558, MONDO:0012490, OMIM 610427.

Submissions (3):

Labcorp Genetics (formerly Invitae), Labcorp
Classification: Pathogenic. Last evaluated: 2025-02-27. Review status: criteria provided, single submitter. Criteria: Invitae Variant Classification Sherloc (09022015). Collection method: clinical testing. Allele origin: germline.
Comment: This sequence change creates a premature translational stop signal (p.Pro22Leufs*5) in the CABP4 gene. It is expected to result in an absent or disrupted protein product. Loss-of-function variants in CABP4 are known to be pathogenic (PMID: 25307992). This variant is present in population databases (rs775166854, gnomAD 0.02%). This variant has not been reported in the literature in individuals affected with CABP4-related conditions. ClinVar contains an entry for this variant (Variation ID: 866054). For these reasons, this variant has been classified as Pathogenic.

DBGen Ocular Genomics
Classification: Pathogenic for Cone-rod synaptic disorder, congenital nonprogressive. Last evaluated: 2021-06-01. Review status: criteria provided, single submitter. Criteria: ACMG Guidelines, 2015. Collection method: clinical testing. Allele origin: germline. Affected: yes. Observed: 1 variant allele.

Blueprint Genetics
Classification: Likely pathogenic for CABP4-related disorders. Last evaluated: 2018-01-10. Review status: criteria provided, single submitter. Criteria: ACMG Guidelines, 2015. Collection method: clinical testing. Allele origin: germline. Affected: yes. Observed: 1 variant allele.

Literature cited by the submitters: PubMed 25307992 (cited by Labcorp Genetics (formerly Invitae), Labcorp).